The following is an entry in ClinVar:

ClinVar aggregate classification (germline): Uncertain significance (1 of 4 stars; one submission).

Conditions:
Autosomal recessive limb-girdle muscular dystrophy type 2J (LGMDR10). Also called: Limb-girdle muscular dystrophy, type 2J; MUSCULAR DYSTROPHY, LIMB-GIRDLE, AUTOSOMAL RECESSIVE 10. Identifiers: Orphanet 140922, MedGen C1837342, MONDO:0012127, OMIM 608807.
Dilated cardiomyopathy 1G (CMD1G). Identifiers: Orphanet 154, MedGen C1858763, MONDO:0011400, OMIM 604145.

Submission:

Labcorp Genetics (formerly Invitae), Labcorp
Classification: Uncertain significance for Dilated cardiomyopathy 1G; Autosomal recessive limb-girdle muscular dystrophy type 2J. Last evaluated: 2025-10-20. Review status: criteria provided, single submitter. Criteria: Invitae Variant Classification Sherloc (09022015). Collection method: clinical testing. Allele origin: germline.
Comment: This sequence change replaces lysine, which is basic and polar, with asparagine, which is neutral and polar, at codon 35912 of the TTN protein (p.Lys35912Asn). This variant is not present in population databases (gnomAD no frequency). This variant has not been reported in the literature in individuals affected with TTN-related conditions. Experimental studies and prediction algorithms are not available or were not evaluated, and the functional significance of this variant is currently unknown. This variant is located in the M band of TTN (PMID: 25589632). Non-truncating variants in this region may be relevant for neuromuscular disorders, but have not been definitively shown to cause cardiomyopathy (PMID: 23975875). In summary, the available evidence is currently insufficient to determine the role of this variant in disease. Therefore, it has been classified as a Variant of Uncertain Significance.

Literature cited by the submitters: PubMed 25589632; PubMed 23975875.

NM_001267550.2(TTN):c.107736A>C (p.Lys35912Asn)

Genes: TTN (titin; minus strand), TTN-AS1 (TTN antisense RNA 1; plus strand). Cytogenetic location: 2q31.2.
Variant type: single nucleotide variant.
Coding change: c.107736A>C on transcript NM_001267550.2 (MANE Select); coding-DNA position 107736, A replaced by C.
Protein change: p.Lys35912Asn; replaces lysine 35912 with asparagine.
Molecular consequence: missense variant.
Genome position (GRCh38, 1-based): chr2:178,527,252, T>G on the plus strand (A>C on the coding strand, the complement: TTN is on the minus strand). VCF-style: chr2-178527252-T-G. GRCh37 (hg19) VCF-style: chr2-179391979-T-G.
Other names: c.102813A>C, p.Lys34271Asn (NM_001256850.1); c.80541A>C, p.Lys26847Asn (NM_003319.4); c.100032A>C, p.Lys33344Asn (NM_133378.4); c.80916A>C, p.Lys26972Asn (NM_133432.3); c.81117A>C, p.Lys27039Asn (NM_133437.4); short protein forms K26847N, K35912N, K26972N, K27039N, K33344N, K34271N.
Identifiers: ClinVar variation 4788134 (VCV004788134.1).